The following is an entry in ClinVar:

ClinVar aggregate classification (germline): Benign. Review status: reviewed by expert panel (3 of 4 stars). 11 submissions from 11 submitters: Benign (1). 10 of the submissions do not count toward it. Last evaluated 2024-12-06.

Conditions:
Mucopolysaccharidosis type 1. Also called: IDUA deficiency; MPS I; Mucopolysaccharidosis Type I. Identifiers: Orphanet 579, MedGen C0023786, MONDO:0001586.

Submissions (11):

ClinGen Lysosomal Storage Disorder Variant Curation Expert Panel
Classification: Benign for Mucopolysaccharidosis type 1. Last evaluated: 2024-12-06. Review status: reviewed by expert panel. Criteria: ClinGen LSD ACMG Specifications IDUA V1.0.0. Collection method: curation. Allele origin: germline. Inheritance: Autosomal recessive inheritance.
Comment: NM_000203.5:c.1190-10dupC variant is in the acceptor splice site region of intron 8 of IDUA. The highest population minor allele frequency in gnomAD v4.1.0 is 0.2350 (16758/71322 alleles; 1409 homozygotes; Grpmax Filtering AF 95% confidence = 0.2320) in the South Asian population, which is higher than the ClinGen Lysosomal Diseases VCEP’s threshold for BA1 (>0.005), and therefore meets this criterion (BA1). There is a ClinVar entry for this variant (Variation ID: 92626). In summary, this variant meets the criteria to be classified as benign for mucopolysaccharidosis type 1. IDUA-specific ACMG-AMP criteria applied, as specified by the ClinGen Lysosomal Diseases Variant Curation Expert Panel (Specifications Version 1.0.0): BA1. (Classification approved by the ClinGen Lysosomal Diseases Variant Curation Expert Panel on December 6, 2024)

Labcorp Genetics (formerly Invitae), Labcorp
Classification: Benign for Mucopolysaccharidosis type 1. Last evaluated: 2026-02-04. Review status: criteria provided, single submitter. Criteria: Invitae Variant Classification Sherloc (09022015). Collection method: clinical testing. Allele origin: germline. Not counted in ClinVar's aggregate classification.

Blueprint Genetics
Classification: Benign. Last evaluated: 2024-11-26. Review status: criteria provided, single submitter. Criteria: ACMG Guidelines, 2015. Collection method: clinical testing. Allele origin: germline. Not counted in ClinVar's aggregate classification.

GeneDx
Classification: Benign. Last evaluated: 2018-09-17. Review status: criteria provided, single submitter. Criteria: GeneDx Variant Classification Process June 2021. Collection method: clinical testing. Allele origin: germline. Affected: yes. Not counted in ClinVar's aggregate classification.

Women's Health and Genetics/Laboratory Corporation of America, LabCorp
Classification: Benign. Last evaluated: 2016-01-15. Review status: criteria provided, single submitter. Criteria: LabCorp Variant Classification Summary - May 2015. Collection method: clinical testing. Allele origin: germline. Not counted in ClinVar's aggregate classification.
Comment: Variant summary: The c.1190-10dupC variant affects a intronic polyC site. One in-silico tool predicts benign outcome for this variant. 5/5 programs in Alamut predict that this variant does not affect normal splicing. This variant is found in 1655/7502 control chromosomes (116 homozygotes) at a frequency of 0.2206078, which is about 82 times of maximal expected frequency of a pathogenic allele (0.0026926), suggesting this variant is benign. In addition, one clinical laboratory classified this variant as bengin. Taken together, this variant was classified as benign.

Eurofins Ntd Llc (ga)
Classification: Benign. Last evaluated: 2012-07-17. Review status: criteria provided, single submitter. Criteria: EGL Classification Definitions. Collection method: clinical testing. Allele origin: germline. Observed: 22 variant alleles, 20 heterozygotes, 2 homozygotes. Not counted in ClinVar's aggregate classification.

Natera, Inc.
Classification: Benign for Mucopolysaccharidosis type I. Last evaluated: 2020-09-16. Review status: no assertion criteria provided. Collection method: clinical testing. Allele origin: germline. Not counted in ClinVar's aggregate classification.

Mayo Clinic Laboratories, Mayo Clinic
Classification: Benign. Last evaluated: 2016-02-02. Review status: no assertion criteria provided. Collection method: clinical testing. Allele origin: unknown. Not counted in ClinVar's aggregate classification.

Clinical Genetics DNA and cytogenetics Diagnostics Lab, Erasmus MC, Erasmus Medical Center
Classification: Benign. Review status: no assertion criteria provided. Collection method: clinical testing. Allele origin: germline. Affected: yes. Study: VKGL Data-share Consensus. Not counted in ClinVar's aggregate classification.

Clinical Genetics, Academic Medical Center
Classification: Benign. Review status: no assertion criteria provided. Collection method: clinical testing. Allele origin: germline. Affected: yes. Study: VKGL Data-share Consensus. Not counted in ClinVar's aggregate classification.

Joint Genome Diagnostic Labs from Nijmegen and Maastricht, Radboudumc and MUMC+
Classification: Benign. Review status: no assertion criteria provided. Collection method: clinical testing. Allele origin: germline. Affected: yes. Study: VKGL Data-share Consensus. Not counted in ClinVar's aggregate classification.

Literature cited by the submitters: PubMed 21394825 (cited by Women's Health and Genetics/Laboratory Corporation of America, LabCorp); PubMed 23757202 (cited by Eurofins Ntd Llc (ga)).

NM_000203.5(IDUA):c.1190-10dup

Gene: IDUA (alpha-L-iduronidase; plus strand). Cytogenetic location: 4p16.3.
Variant type: Duplication.
Coding change: c.1190-10dup on transcript NM_000203.5 (MANE Select); 10 bases into the intron before coding-DNA position 1190, one base duplicated (C; older notation c.1190-10dupC).
Molecular consequence: intron variant.
Genome position (GRCh38, 1-based): chr4:1,002,722, C duplicated; the last of 9 consecutive C bases (chr4:1,002,714-1,002,722); duplicating any one gives the same sequence. VCF-style (leftmost placement, unchanged base first): chr4-1002713-G-GC. GRCh37 (hg19) VCF-style: chr4-996501-G-GC.
Other names: c.1190-10dupC (NM_000203.3, NM_000203.5); c.794-10dup (NM_001363576.1).
Identifiers: ClinVar variation 92626 (VCV000092626.24), dbSNP rs150523349, ClinGen allele CA145869.